The following is an entry in ClinVar:

ClinVar aggregate classification (germline): Pathogenic (1 of 4 stars; one submission).

Submission:

ISCA Site 6
Classification: Pathogenic. Last evaluated: 2011-08-12. Review status: criteria provided, single submitter. Criteria: Kaminsky et al. (Genet Med. 2011). Collection method: clinical testing. Allele origin: unknown. Affected: yes. Observed: 1 variant allele.
Comment: Copy number variation identified through the course of routine clinical cytogenomic testing in postnatal populations. Clinical assertions have been curated as described in Kaminsky et al. 2011.

GRCh38/hg38 15q11.1-13.1(chr15:20046515-28385894)x3

Genes: ATP10A (ATPase phospholipid transporting 10A (putative); minus strand), ATP10A-DT (ATP10A divergent transcript; plus strand), CYFIP1 (cytoplasmic FMR1 interacting protein 1; minus strand), FAM30C (family with sequence similarity 30 member C), GABRA5 (gamma-aminobutyric acid type A receptor subunit alpha5; plus strand) and 192 more. Cytogenetic location: 15q11.1-13.1.
Variant type: copy number gain.
Change: copy number 3 (three copies instead of two) of chr15:20,046,515-28,385,894 (8.34 Mb, GRCh38 coordinates, 1-based), cytogenetic band 15q11.1-13.1.
Identifiers: ClinVar variation 59369 (VCV000059369.2).